The following is an entry in ClinVar:

ClinVar aggregate classification (germline): Conflicting classifications of pathogenicity. Review status: criteria provided, conflicting classifications (1 of 4 stars). 3 submissions from 3 submitters: Uncertain significance (1); Likely benign (1). 1 of the submissions does not count toward it. Last evaluated 2025-08-26.

Conditions:
Inborn genetic diseases. Identifiers: MedGen C0950123, MeSH D030342.
DYNC1H1-related disorder. Also called: DYNC1H1-related disorders; DYNC1H1-related condition. Identifiers: MedGen CN381529.
Charcot-Marie-Tooth disease axonal type 2O. Also called: CHARCOT-MARIE-TOOTH NEUROPATHY, AXONAL, TYPE 2O; CHARCOT-MARIE-TOOTH DISEASE, AXONAL, AUTOSOMAL DOMINANT, TYPE 2O; Charcot-Marie-Tooth Neuropathy Type 2O; Charcot-Marie-Tooth disease, axonal, type 20. Identifiers: Orphanet 284232, MedGen C3280220, MONDO:0013644, OMIM 614228.

Allele frequency attached by ClinVar (database versions not stated): gnomAD exomes below 0.00001; TOPMed below 0.00001; gnomAD 0.00001.
gnomAD v4.1: 8 of 1,613,936 alleles (0.0005%); highest among the groups gnomAD compares: Middle Eastern, 0.016%; no homozygotes.

Submissions (3):

Labcorp Genetics (formerly Invitae), Labcorp
Classification: Likely benign for Charcot-Marie-Tooth disease axonal type 2O. Last evaluated: 2025-08-26. Review status: criteria provided, single submitter. Criteria: Invitae Variant Classification Sherloc (09022015). Collection method: clinical testing. Allele origin: germline.

Ambry Genetics
Classification: Uncertain significance for Inborn genetic diseases. Last evaluated: 2022-05-02. Review status: criteria provided, single submitter. Criteria: Ambry Variant Classification Scheme 2023. Collection method: clinical testing. Allele origin: germline.
Comment: The c.4543-5A>C intronic alteration consists of a A to C substitution 5 nucleotides before coding exon 22 in the DYNC1H1 gene. Based on insufficient or conflicting evidence, the clinical significance of this alteration remains unclear.

PreventionGenetics, part of Exact Sciences
Classification: Likely benign for DYNC1H1-related condition. Last evaluated: 2022-12-19. Review status: no assertion criteria provided. Collection method: clinical testing. Allele origin: germline. Not counted in ClinVar's aggregate classification.
Comment: This variant is classified as likely benign based on ACMG/AMP sequence variant interpretation guidelines (Richards et al. 2015 PMID: 25741868, with internal and published modifications).

NM_001376.5(DYNC1H1):c.4543-5A>C

Gene: DYNC1H1 (dynein cytoplasmic 1 heavy chain 1; plus strand). Cytogenetic location: 14q32.31.
Variant type: single nucleotide variant.
Coding change: c.4543-5A>C on transcript NM_001376.5 (MANE Select); 5 bases into the intron before coding-DNA position 4543, A replaced by C.
Molecular consequence: intron variant.
Genome position (GRCh38, 1-based): chr14:102,002,532, A>C. VCF-style: chr14-102002532-A-C. GRCh37 (hg19) VCF-style: chr14-102468869-A-C.
Other names: c.4543-5A>C (NM_001376.4).
Identifiers: ClinVar variation 1090984 (VCV001090984.12), dbSNP rs903101532, ClinGen allele CA266995571.